The following is an entry in ClinVar:

ClinVar aggregate classification (germline): Uncertain significance. Review status: criteria provided, multiple submitters, no conflicts (2 of 4 stars). 3 submissions from 3 submitters: Uncertain significance (3). Last evaluated 2025-10-05.

Conditions:
Hereditary cancer-predisposing syndrome. Also called: Neoplastic Syndromes, Hereditary; Tumor predisposition; Hereditary Cancer Syndrome; Hereditary neoplastic syndrome. Identifiers: Orphanet 140162, MedGen C0027672, MeSH D009386, MONDO:0015356.
Familial cancer of breast. Also called: BREAST CANCER, FAMILIAL; Hereditary breast cancer; hereditary breast carcinoma. Identifiers: Orphanet 227535, MedGen C0346153, MONDO:0016419, OMIM 114480. Disease mechanism: loss of function.

gnomAD v4.1: 2 of 1,614,216 alleles (0.00012%); highest among the groups gnomAD compares: Non-Finnish European, 0.00017%; no homozygotes.

Submissions (3):

Ambry Genetics
Classification: Uncertain significance for Hereditary cancer-predisposing syndrome. Last evaluated: 2025-10-05. Review status: criteria provided, single submitter. Criteria: Ambry Variant Classification Scheme 2023. Collection method: clinical testing. Allele origin: germline.
Comment: The p.Y736C variant (also known as c.2207A>G), located in coding exon 11 of the BARD1 gene, results from an A to G substitution at nucleotide position 2207. The tyrosine at codon 736 is replaced by cysteine, an amino acid with highly dissimilar properties. This variant was not reported in population based cohorts in the following databases: Database of Single Nucleotide Polymorphisms (dbSNP), NHLBI Exome Sequencing Project (ESP), and 1000 Genomes Project. In the ESP, this variant was not observed in 6503 samples (13006 alleles) with coverage at this position. To date, this alteration has been detected with an allele frequency of approximately 0.001% (greater than 120000 alleles tested) in our clinical cohort. This amino acid position is highly conserved in available vertebrate species. In addition, the in silico prediction for this alteration is inconclusive. Since supporting evidence is limited at this time, the clinical significance of p.Y736C remains unclear.

Color Diagnostics, LLC DBA Color Health
Classification: Uncertain significance for Hereditary cancer-predisposing syndrome. Last evaluated: 2025-09-12. Review status: criteria provided, single submitter. Criteria: ACMG Guidelines, 2015. Collection method: clinical testing. Allele origin: germline.
Comment: This missense variant replaces tyrosine with cysteine at codon 736 of the BARD1 protein. Computational prediction is inconclusive regarding the impact of this variant on protein structure and function. To our knowledge, functional studies have not been reported for this variant. This variant has not been reported in individuals affected with hereditary cancer in the literature. This variant has not been identified in the general population by the Genome Aggregation Database (gnomAD). The available evidence is insufficient to determine the role of this variant in disease conclusively. Therefore, this variant is classified as a Variant of Uncertain Significance.

Labcorp Genetics (formerly Invitae), Labcorp
Classification: Uncertain significance for Familial cancer of breast. Last evaluated: 2025-04-21. Review status: criteria provided, single submitter. Criteria: Invitae Variant Classification Sherloc (09022015). Collection method: clinical testing. Allele origin: germline.
Comment: This sequence change replaces tyrosine, which is neutral and polar, with cysteine, which is neutral and slightly polar, at codon 736 of the BARD1 protein (p.Tyr736Cys). This variant is not present in population databases (gnomAD no frequency). This variant has not been reported in the literature in individuals affected with BARD1-related conditions. ClinVar contains an entry for this variant (Variation ID: 482766). An algorithm developed to predict the effect of missense changes on protein structure and function (PolyPhen-2) suggests that this variant is likely to be disruptive. In summary, the available evidence is currently insufficient to determine the role of this variant in disease. Therefore, it has been classified as a Variant of Uncertain Significance.

NM_000465.4(BARD1):c.2207A>G (p.Tyr736Cys)

Gene: BARD1 (BRCA1 associated RING domain 1; minus strand). Cytogenetic location: 2q35.
Variant type: single nucleotide variant.
Coding change: c.2207A>G on transcript NM_000465.4 (MANE Select); coding-DNA position 2207, A replaced by G.
Protein change: p.Tyr736Cys; replaces tyrosine 736 with cysteine.
Molecular consequence: missense variant. On other transcripts: non-coding transcript variant (3).
Genome position (GRCh38, 1-based): chr2:214,728,803, T>C on the plus strand (A>G on the coding strand, the complement: BARD1 is on the minus strand). VCF-style: chr2-214728803-T-C. GRCh37 (hg19) VCF-style: chr2-215593527-T-C.
Other names: c.668A>G, p.Tyr223Cys (NM_001282549.2); c.2150A>G, p.Tyr717Cys (NM_001282543.2); c.854A>G, p.Tyr285Cys (NM_001282545.2); c.797A>G, p.Tyr266Cys (NM_001282548.2); short protein forms Y736C, Y717C, Y285C, Y223C, Y266C.
Identifiers: ClinVar variation 482766 (VCV000482766.18), dbSNP rs587780028, ClinGen allele CA350450212.